The following is an entry in ClinVar:

ClinVar aggregate classification (germline): Uncertain significance (1 of 4 stars; one submission).

Allele frequency attached by ClinVar (database versions not stated): TOPMed below 0.00001; gnomAD 0.00001.
gnomAD v4.1: 2 of 1,552,174 alleles (0.00013%); highest among the groups gnomAD compares: African/African-American, 0.0014%; no homozygotes.

Submission:

Women's Health and Genetics/Laboratory Corporation of America, LabCorp
Classification: Uncertain significance. Last evaluated: 2024-03-01. Review status: criteria provided, single submitter. Criteria: LabCorp Variant Classification Summary - May 2015. Collection method: clinical testing. Allele origin: germline.
Comment: Variant summary: ZSWIM6 c.2425C>T (p.Arg809Cys) results in a non-conservative amino acid change in the encoded protein sequence. Three of five in-silico tools predict a damaging effect of the variant on protein function. The variant was absent in 158684 control chromosomes. The available data on variant occurrences in the general population are insufficient to allow any conclusion about variant significance. To our knowledge, no occurrence of c.2425C>T in individuals affected with ZSWIM6-Related Disorders and no experimental evidence demonstrating its impact on protein function have been reported. No submitters have cited clinical-significance assessments for this variant to ClinVar. Based on the evidence outlined above, the variant was classified as uncertain significance.

NM_020928.2(ZSWIM6):c.2425C>T (p.Arg809Cys)

Gene: ZSWIM6 (zinc finger SWIM-type containing 6; plus strand). Cytogenetic location: 5q12.1.
Variant type: single nucleotide variant.
Coding change: c.2425C>T on transcript NM_020928.2 (MANE Select); coding-DNA position 2425, C replaced by T.
Protein change: p.Arg809Cys; replaces arginine 809 with cysteine.
Molecular consequence: missense variant.
Genome position (GRCh38, 1-based): chr5:61,538,857, C>T. VCF-style: chr5-61538857-C-T. GRCh37 (hg19) VCF-style: chr5-60834684-C-T.
Other names: short protein forms R809C.
Identifiers: ClinVar variation 3233686 (VCV003233686.2), dbSNP rs751354754, ClinGen allele CA119663789.